The following is an entry in ClinVar:

ClinVar aggregate classification (germline): Uncertain significance (1 of 4 stars; one submission).

Conditions:
Cardiovascular phenotype. Identifiers: MedGen CN230736.

gnomAD v4.1: 2 of 1,549,900 alleles (0.00013%); highest among the groups gnomAD compares: Non-Finnish European, 0.00017%; no homozygotes.

Submission:

Ambry Genetics
Classification: Uncertain significance for Cardiovascular phenotype. Last evaluated: 2024-04-05. Review status: criteria provided, single submitter. Criteria: Ambry Variant Classification Scheme 2023. Collection method: clinical testing. Allele origin: germline.
Comment: The p.P1429T variant (also known as c.4285C>A), located in coding exon 2 of the ZNF469 gene, results from a C to A substitution at nucleotide position 4285. The proline at codon 1429 is replaced by threonine, an amino acid with highly similar properties. This amino acid position is conserved. In addition, this alteration is predicted to be tolerated by in silico analysis. Based on the available evidence, the clinical significance of this variant remains unclear.

NM_001367624.2(ZNF469):c.4369C>A (p.Pro1457Thr)

Gene: ZNF469 (zinc finger protein 469; plus strand). Cytogenetic location: 16q24.2.
Variant type: single nucleotide variant.
Coding change: c.4369C>A on transcript NM_001367624.2 (MANE Select); coding-DNA position 4369, C replaced by A.
Protein change: p.Pro1457Thr; replaces proline 1457 with threonine.
Molecular consequence: missense variant.
Genome position (GRCh38, 1-based): chr16:88,431,839, C>A. VCF-style: chr16-88431839-C-A. GRCh37 (hg19) VCF-style: chr16-88498247-C-A.
Other names: NM_001127464.1:c.4285C>A; short protein forms P1457T.
Identifiers: ClinVar variation 3258229 (VCV003258229.1).